The following is an entry in ClinVar:

ClinVar aggregate classification (germline): Uncertain significance. Review status: criteria provided, multiple submitters, no conflicts (2 of 4 stars). 2 submissions from 2 submitters: Uncertain significance (2). Last evaluated 2022-07-25.

Allele frequency attached by ClinVar (database versions not stated): gnomAD 0.00001; gnomAD exomes 0.00001 and 0.00002; TOPMed 0.00001; ExAC 0.00002.
gnomAD v4.1: 6 of 1,614,066 alleles (0.00037%); highest among the groups gnomAD compares: Admixed American, 0.01%; no homozygotes.

Submissions (2):

Labcorp Genetics (formerly Invitae), Labcorp
Classification: Uncertain significance. Last evaluated: 2022-07-25. Review status: criteria provided, single submitter. Criteria: Invitae Variant Classification Sherloc (09022015). Collection method: clinical testing. Allele origin: germline.
Comment: This sequence change replaces threonine, which is neutral and polar, with alanine, which is neutral and non-polar, at codon 104 of the RDH11 protein (p.Thr104Ala). This variant is present in population databases (rs751828018, gnomAD 0.01%). This variant has not been reported in the literature in individuals affected with RDH11-related conditions. ClinVar contains an entry for this variant (Variation ID: 1485025). Algorithms developed to predict the effect of missense changes on protein structure and function are either unavailable or do not agree on the potential impact of this missense change (SIFT: "Tolerated"; PolyPhen-2: "Probably Damaging"; Align-GVGD: "Class C0"). In summary, the available evidence is currently insufficient to determine the role of this variant in disease. Therefore, it has been classified as a Variant of Uncertain Significance.

Blueprint Genetics
Classification: Uncertain significance. Last evaluated: 2018-07-13. Review status: criteria provided, single submitter. Criteria: ACMG Guidelines, 2015. Collection method: clinical testing. Allele origin: germline.

NM_016026.4(RDH11):c.310A>G (p.Thr104Ala)

Genes: GPHN (gephyrin; plus strand), RDH11 (retinol dehydrogenase 11; minus strand). Cytogenetic location: 14q24.1.
Variant type: single nucleotide variant.
Coding change: c.310A>G on transcript NM_016026.4 (MANE Select); coding-DNA position 310, A replaced by G.
Protein change: p.Thr104Ala; replaces threonine 104 with alanine.
Molecular consequence: missense variant.
Genome position (GRCh38, 1-based): chr14:67,692,477, T>C on the plus strand (A>G on the coding strand, the complement: RDH11 is on the minus strand). VCF-style: chr14-67692477-T-C. GRCh37 (hg19) VCF-style: chr14-68159194-T-C.
Other names: c.310A>G, p.Thr104Ala (NM_001252650.2); short protein forms T104A.
Identifiers: ClinVar variation 1485025 (VCV001485025.6), dbSNP rs751828018, ClinGen allele CA7238441.